The following is an entry in ClinVar:

ClinVar aggregate classification (germline): Uncertain significance. Review status: criteria provided, multiple submitters, no conflicts (2 of 4 stars). 2 submissions from 2 submitters: Uncertain significance (2). Last evaluated 2023-08-08.

Conditions:
Hereditary cancer-predisposing syndrome. Also called: Hereditary Cancer Syndrome; Neoplastic Syndromes, Hereditary; Tumor predisposition; Hereditary neoplastic syndrome. Identifiers: Orphanet 140162, MedGen C0027672, MeSH D009386, MONDO:0015356.
Retinoblastoma (RB1). Also called: RETINOBLASTOMA, SOMATIC. Identifiers: Orphanet 790, MedGen C0035335, MeSH D012175, MONDO:0008380, OMIM 180200, HP:0009919. Disease mechanism: loss of function. Inheritance: Both sporadic and heritable forms are tested..

Submissions (2):

All of Us Research Program, National Institutes of Health
Classification: Uncertain significance for Retinoblastoma. Last evaluated: 2023-08-08. Review status: criteria provided, single submitter. Criteria: ACMG Guidelines, 2015. Collection method: clinical testing. Allele origin: germline. Inheritance: Autosomal dominant inheritance. Observed: 1 variant allele, 1 heterozygote.
Comment: This missense variant replaces serine with phenylalanine at codon 182 of the RB1 protein. Computational prediction suggests that this variant may not impact protein structure and function (internally defined REVEL score threshold <= 0.5, PMID: 27666373). To our knowledge, functional studies have not been reported for this variant. This variant has not been reported in individuals affected with RB1-related disorders in the literature. This variant has not been identified in the general population by the Genome Aggregation Database (gnomAD). The available evidence is insufficient to determine the role of this variant in disease conclusively. Therefore, this variant is classified as a Variant of Uncertain Significance.

This study involves interpretation of variants in research participants for the purpose of population health screening. Participant phenotype was not available at the time of variant classification. Additional details can be found in publication PMID: 35346344, PMCID: PMC8962531

Ambry Genetics
Classification: Uncertain significance for Hereditary cancer-predisposing syndrome. Last evaluated: 2020-02-24. Review status: criteria provided, single submitter. Criteria: Ambry Variant Classification Scheme 2023. Collection method: clinical testing. Allele origin: germline.
Comment: The p.S182F variant (also known as c.545C>T), located in coding exon 6 of the RB1 gene, results from a C to T substitution at nucleotide position 545. The serine at codon 182 is replaced by phenylalanine, an amino acid with highly dissimilar properties. This amino acid position is well conserved in available vertebrate species. In addition, this alteration is predicted to be tolerated by in silico analysis. Since supporting evidence is limited at this time, the clinical significance of this alteration remains unclear.

NM_000321.3(RB1):c.545C>T (p.Ser182Phe)

Gene: RB1 (RB transcriptional corepressor 1; plus strand). Cytogenetic location: 13q14.2.
Variant type: single nucleotide variant.
Coding change: c.545C>T on transcript NM_000321.3 (MANE Select); coding-DNA position 545, C replaced by T.
Protein change: p.Ser182Phe; replaces serine 182 with phenylalanine.
Molecular consequence: missense variant.
Genome position (GRCh38, 1-based): chr13:48,348,961, C>T. VCF-style: chr13-48348961-C-T. GRCh37 (hg19) VCF-style: chr13-48923097-C-T.
Other names: c.545C>T, p.Ser182Phe (NM_001407165.1, NM_001407166.1); short protein forms S182F.
Identifiers: ClinVar variation 1747655 (VCV001747655.3), dbSNP rs2138093433, ClinGen allele CA388156888.